The following is an entry in ClinVar:

NM_003742.4(ABCB11):c.2316T>A (p.Tyr772Ter)

Gene: ABCB11 (ATP binding cassette subfamily B member 11; minus strand). Cytogenetic location: 2q31.1.
Variant type: single nucleotide variant.
Coding change: c.2316T>A on transcript NM_003742.4 (MANE Select); coding-DNA position 2316, T replaced by A.
Protein change: p.Tyr772Ter; replaces tyrosine 772 with a stop codon.
Molecular consequence: nonsense.
Genome position (GRCh38, 1-based): chr2:168,957,991, A>T on the plus strand (T>A on the coding strand, the complement: ABCB11 is on the minus strand). VCF-style: chr2-168957991-A-T. GRCh37 (hg19) VCF-style: chr2-169814501-A-T.
Other names: short protein forms Y772*.
Identifiers: ClinVar variation 950910 (VCV000950910.11), dbSNP rs1371940395, ClinGen allele CA349106720.

ClinVar aggregate classification (germline): Pathogenic. Review status: criteria provided, multiple submitters, no conflicts (2 of 4 stars). 3 submissions from 3 submitters: Pathogenic (3). Last evaluated 2026-04-14.

Conditions:
Familial intrahepatic cholestasis. Identifiers: Orphanet 284385, MedGen CN296401, MONDO:0017290.
Benign recurrent intrahepatic cholestasis type 2 (BRIC2). Also called: Recurrent familial intrahepatic cholestasis 2. Identifiers: Orphanet 65682, Orphanet 99961, MedGen C2608083, MONDO:0011559, OMIM 605479.

Submissions (3):

Genomenon, Inc
Classification: Pathogenic for Familial intrahepatic cholestasis. Last evaluated: 2026-04-14. Review status: criteria provided, single submitter. Criteria: Genomenon Sequence Variant Interpretation Standards - Updated. Collection method: curation. Allele origin: germline. Affected: yes.
Comment: ABCB11 p.Tyr772Ter (c.2316T>A) is a nonsense variant that introduces a premature stop codon at amino acid position 772, creating a truncated protein that is predicted to undergo nonsense-mediated mRNA decay. This variant has been observed in at least one proband with an ABCB11-related disorder (PMID:37471416). It is absent or not present at a significant frequency in gnomAD. In conclusion, we classify ABCB11 p.Tyr772Ter (c.2316T>A) as a pathogenic variant.

Baylor Genetics
Classification: Pathogenic for Benign recurrent intrahepatic cholestasis type 2. Last evaluated: 2023-12-13. Review status: criteria provided, single submitter. Criteria: ACMG Guidelines, 2015. Collection method: clinical testing. Allele origin: unknown.

Labcorp Genetics (formerly Invitae), Labcorp
Classification: Pathogenic. Last evaluated: 2019-05-16. Review status: criteria provided, single submitter. Criteria: Invitae Variant Classification Sherloc (09022015). Collection method: clinical testing. Allele origin: germline.
Comment: Loss-of-function variants in ABCB11 are known to be pathogenic (PMID: 18395098, 20232290). This sequence change creates a premature translational stop signal (p.Tyr772*) in the ABCB11 gene. It is expected to result in an absent or disrupted protein product. This variant is not present in population databases (ExAC no frequency). Variants creating premature stop signals at this codon have been observed in individuals affected with ABCB11-related disease (PMID: 21404481, 16871584). For these reasons, this variant has been classified as Pathogenic.

Literature cited by the submitters: PubMed 37471416 (cited by Genomenon, Inc); PubMed 18395098 (cited by Labcorp Genetics (formerly Invitae), Labcorp); PubMed 20232290 (cited by Labcorp Genetics (formerly Invitae), Labcorp); PubMed 21404481 (cited by Labcorp Genetics (formerly Invitae), Labcorp); PubMed 16871584 (cited by Labcorp Genetics (formerly Invitae), Labcorp).